The following is an entry in ClinVar:

NM_173598.6(KSR2):c.716C>T (p.Pro239Leu)

Gene: KSR2 (kinase suppressor of ras 2; minus strand). Cytogenetic location: 12q24.23.
Variant type: single nucleotide variant.
Coding change: c.716C>T on transcript NM_173598.6 (MANE Select); coding-DNA position 716, C replaced by T.
Protein change: p.Pro239Leu; replaces proline 239 with leucine.
Molecular consequence: missense variant.
Genome position (GRCh38, 1-based): chr12:117,761,281, G>A on the plus strand (C>T on the coding strand, the complement: KSR2 is on the minus strand). VCF-style: chr12-117761281-G-A. GRCh37 (hg19) VCF-style: chr12-118199086-G-A.
Other names: short protein forms P239L.
Identifiers: ClinVar variation 2596487 (VCV002596487.6), dbSNP rs756573845, ClinGen allele CA6816270.

ClinVar aggregate classification (germline): Uncertain significance. Review status: criteria provided, multiple submitters, no conflicts (2 of 4 stars). 2 submissions from 2 submitters: Uncertain significance (2). Last evaluated 2026-04-22.

Conditions:
KSR2-related disorder. Also called: KSR2-related condition.

Allele frequency attached by ClinVar (database versions not stated): gnomAD exomes 0.00003; gnomAD 0.00013; TOPMed 0.00014.
gnomAD v4.1: 68 of 1,519,894 alleles (0.0045%); highest among the groups gnomAD compares: Admixed American, 0.036%; 1 homozygote.

Submissions (2):

PreventionGenetics, part of Exact Sciences
Classification: Uncertain significance for KSR2-related condition. Last evaluated: 2026-04-22. Review status: criteria provided, single submitter. Criteria: ACMG Guidelines, 2015. Collection method: clinical testing. Allele origin: germline.
Comment: The KSR2 c.629C>T variant is predicted to result in the amino acid substitution p.Pro210Leu. To our knowledge, this variant has not been reported in the literature. This variant is reported in 0.020% of alleles in individuals of Latino descent in gnomAD. Although we suspect that this variant may be benign, at this time, the clinical significance of this variant is uncertain due to the absence of conclusive functional and genetic evidence.

Ambry Genetics
Classification: Uncertain significance. Last evaluated: 2025-09-10. Review status: criteria provided, single submitter. Criteria: Ambry Variant Classification Scheme 2023. Collection method: clinical testing. Allele origin: germline.